The following is an entry in ClinVar:

ClinVar aggregate classification (germline): Likely benign (1 of 4 stars; one submission).

Conditions:
EP300-related disorder. Also called: EP300-related condition; EP300-related disorders.

Allele frequency attached by ClinVar (database versions not stated): gnomAD exomes 0.00001; TOPMed 0.00001; ExAC 0.00002; gnomAD 0.00003; ESP Exome Variant Server 0.00008.
gnomAD v4.1: 73 of 1,614,046 alleles (0.0045%); highest among the groups gnomAD compares: Non-Finnish European, 0.0062%; no homozygotes.

Submission:

PreventionGenetics, part of Exact Sciences
Classification: Likely benign for EP300-related condition. Last evaluated: 2025-10-14. Review status: criteria provided, single submitter. Criteria: ACMG Guidelines, 2015. Collection method: clinical testing. Allele origin: germline.
Comment: This variant is classified as likely benign based on ACMG/AMP sequence variant interpretation guidelines (Richards et al. 2015 PMID: 25741868, with internal and published modifications).

NM_001429.4(EP300):c.2174T>C (p.Ile725Thr)

Gene: EP300 (EP300 lysine acetyltransferase; plus strand). Cytogenetic location: 22q13.2.
Variant type: single nucleotide variant.
Coding change: c.2174T>C on transcript NM_001429.4 (MANE Select); coding-DNA position 2174, T replaced by C.
Protein change: p.Ile725Thr; replaces isoleucine 725 with threonine.
Molecular consequence: missense variant.
Genome position (GRCh38, 1-based): chr22:41,147,879, T>C. VCF-style: chr22-41147879-T-C. GRCh37 (hg19) VCF-style: chr22-41543883-T-C.
Other names: c.2096T>C, p.Ile699Thr (NM_001362843.2); short protein forms I725T, I699T.
Identifiers: ClinVar variation 4987620 (VCV004987620.1), dbSNP rs375822328.